The following is an entry in ClinVar:

NM_001953.5(TYMP):c.762G>A (p.Thr254=)

Gene: TYMP (thymidine phosphorylase; minus strand). Cytogenetic location: 22q13.33.
Variant type: single nucleotide variant.
Coding change: c.762G>A on transcript NM_001953.5 (MANE Select); coding-DNA position 762, G replaced by A.
Protein change: p.Thr254=; no amino-acid change (threonine 254 retained).
Molecular consequence: synonymous variant.
Genome position (GRCh38, 1-based): chr22:50,527,168, C>T on the plus strand (G>A on the coding strand, the complement: TYMP is on the minus strand). VCF-style: chr22-50527168-C-T. GRCh37 (hg19) VCF-style: chr22-50965597-C-T.
Other names: c.762G>A (NM_001953.3); c.762G>A, p.Thr254= (NM_001113755.3, NM_001113756.3, NM_001257988.1 and 1 more transcripts).
Identifiers: ClinVar variation 739229 (VCV000739229.14), dbSNP rs373478014, ClinGen allele CA10321579.
Genomic context (GRCh38, chr22:50,527,168, plus strand): 5'-AAGGGTAGGCTGGGCCCGCATCAAGACGCTTGCCCAGGGAAAGGCCACACCGCTCACCAG[C>T]GTCTTTGCCAGCTCCCGGGCCTGCTCCTGGTTGGGGAAGACGGCGGCCCCTCCGAACTTA-3'
Protein context (NP_001944.1, residues 244-264): NQEQARELAK[Thr254=]LVGVGASLGL

ClinVar aggregate classification (germline): Likely benign. Review status: criteria provided, multiple submitters, no conflicts (2 of 4 stars). 4 submissions from 4 submitters: Likely benign (3). 1 of the submissions does not count toward it. Last evaluated 2024-07-03.

Conditions:
Mitochondrial neurogastrointestinal encephalomyopathy. Also called: Mitochondrial neurogastrointestinal encephalopathy syndrome; MNGIE syndrome; Thymidine phosphorylase deficiency. Identifiers: Orphanet 298, MedGen C0872218, MONDO:0017575.

Allele frequency attached by ClinVar (database versions not stated): gnomAD 0.00001; ExAC 0.00002; TOPMed 0.00002.

Submissions (4):

Labcorp Genetics (formerly Invitae), Labcorp
Classification: Likely benign. Last evaluated: 2024-07-03. Review status: criteria provided, single submitter. Criteria: Invitae Variant Classification Sherloc (09022015). Collection method: clinical testing. Allele origin: germline.

Blueprint Genetics
Classification: Likely benign. Last evaluated: 2024-02-05. Review status: criteria provided, single submitter. Criteria: ACMG Guidelines, 2015. Collection method: clinical testing. Allele origin: germline.

GeneDx
Classification: Likely benign. Last evaluated: 2021-06-01. Review status: criteria provided, single submitter. Criteria: GeneDx Variant Classification Process June 2021. Collection method: clinical testing. Allele origin: germline. Affected: yes.
Comment: This variant is associated with the following publications: (PMID: 27535533)

Natera, Inc.
Classification: Uncertain significance for Mitochondrial neurogastrointestinal encephalomyopathy. Last evaluated: 2020-02-13. Review status: no assertion criteria provided. Collection method: clinical testing. Allele origin: germline. Not counted in ClinVar's aggregate classification.